The following is an entry in ClinVar:

NM_001267550.2(TTN):c.66959G>T (p.Arg22320Leu)

Genes: TTN (titin; minus strand), TTN-AS1 (TTN antisense RNA 1; plus strand). Cytogenetic location: 2q31.2.
Variant type: single nucleotide variant.
Coding change: c.66959G>T on transcript NM_001267550.2 (MANE Select); coding-DNA position 66959, G replaced by T.
Protein change: p.Arg22320Leu; replaces arginine 22320 with leucine.
Molecular consequence: missense variant.
Genome position (GRCh38, 1-based): chr2:178,580,420, C>A on the plus strand (G>T on the coding strand, the complement: TTN is on the minus strand). VCF-style: chr2-178580420-C-A. GRCh37 (hg19) VCF-style: chr2-179445147-C-A.
Other names: c.62036G>T, p.Arg20679Leu (NM_001256850.1); c.39764G>T, p.Arg13255Leu (NM_003319.4); c.59255G>T, p.Arg19752Leu (NM_133378.4); c.40139G>T, p.Arg13380Leu (NM_133432.3); c.40340G>T, p.Arg13447Leu (NM_133437.4); short protein forms R13255L, R13380L, R13447L, R19752L, R20679L, R22320L.
Identifiers: ClinVar variation 2651617 (VCV002651617.25), dbSNP rs771424865, ClinGen allele CA349425199.

ClinVar aggregate classification (germline): Uncertain significance. Review status: criteria provided, multiple submitters, no conflicts (2 of 4 stars). 2 submissions from 2 submitters: Uncertain significance (2). Last evaluated 2026-03-03.

Conditions:
TTN-related disorder. Also called: TTN-related condition; TTN-related disease; TTN-related disorders.

gnomAD v4.1: 2 of 1,613,180 alleles (0.00012%); highest among the groups gnomAD compares: Non-Finnish European, 0.00017%; no homozygotes.

Submissions (2):

PreventionGenetics, part of Exact Sciences
Classification: Uncertain significance for TTN-related condition. Last evaluated: 2026-03-03. Review status: criteria provided, single submitter. Criteria: ACMG Guidelines, 2015. Collection method: clinical testing. Allele origin: germline.
Comment: The TTN c.66959G>T variant is predicted to result in the amino acid substitution p.Arg22320Leu. To our knowledge, this variant has not been reported in the literature or in a large population database (gnomAD), indicating this variant is rare. At this time, the clinical significance of this variant is uncertain due to the absence of conclusive functional and genetic evidence.

CeGaT Center for Human Genetics Tuebingen
Classification: Uncertain significance. Last evaluated: 2023-03-01. Review status: criteria provided, single submitter. Criteria: CeGaT Center For Human Genetics Tuebingen Variant Classification Criteria Version 2. Collection method: clinical testing. Allele origin: germline. Affected: yes. Observed: 1 variant allele.
Comment: TTN: PM2, BP4